The following is an entry in ClinVar:

NC_000002.11:g.(?_26414119)_(26418121_?)dup

Gene: HADHA (hydroxyacyl-CoA dehydrogenase trifunctional multienzyme complex subunit alpha; minus strand). Cytogenetic location: 2p23.3.
Variant type: Duplication.
Identifiers: ClinVar variation 998925 (VCV000998925.3).

ClinVar aggregate classification (germline): Uncertain significance (1 of 4 stars; one submission).

Conditions:
Long chain 3-hydroxyacyl-CoA dehydrogenase deficiency. Also called: Deficiency of long-chain 3-hydroxyacyl-coenzyme A dehydrogenase; LCHAD Deficiency. Identifiers: Orphanet 5, MedGen C3711645, MONDO:0012173, OMIM 609016.
Mitochondrial trifunctional protein deficiency. Identifiers: Orphanet 746, MedGen C1969443, MONDO:0012172.

Submission:

Labcorp Genetics (formerly Invitae), Labcorp
Classification: Uncertain significance for Mitochondrial trifunctional protein deficiency; Long chain 3-hydroxyacyl-CoA dehydrogenase deficiency. Last evaluated: 2020-10-20. Review status: criteria provided, single submitter. Criteria: Invitae Variant Classification Sherloc (09022015). Collection method: clinical testing. Allele origin: germline.
Comment: In summary, the available evidence is currently insufficient to determine the role of this variant in disease. Therefore, it has been classified as a Variant of Uncertain Significance. Experimental studies and prediction algorithms are not available or were not evaluated, and the functional significance of this variant is currently unknown. This variant has not been reported in the literature in individuals with HADHA-related conditions. This variant results in a copy number gain of the genomic region encompassing exon(s) 15-20 of the HADHA gene. The 5' boundary is likely confined to intron 14. The 3' end of this event is unknown as it extends beyond the assayed region for this gene and therefore may encompass additional genes. As the precise location of this event is unknown, it may be in tandem or it may be located elsewhere in the genome.